The following is an entry in ClinVar:

ClinVar aggregate classification (germline): Uncertain significance. Review status: criteria provided, multiple submitters, no conflicts (2 of 4 stars). 3 submissions from 3 submitters: Uncertain significance (3). Last evaluated 2025-10-19.

Conditions:
Hereditary cancer-predisposing syndrome. Also called: Hereditary neoplastic syndrome; Tumor predisposition; Neoplastic Syndromes, Hereditary; Hereditary Cancer Syndrome. Identifiers: Orphanet 140162, MedGen C0027672, MeSH D009386, MONDO:0015356.
Familial colorectal cancer. Identifiers: MedGen CN280943, MONDO:0023113. Disease mechanism: loss of function.

Allele frequency attached by ClinVar (database versions not stated): gnomAD exomes below 0.00001; TOPMed 0.00001.
gnomAD v4.1: 4 of 1,612,906 alleles (0.00025%); highest among the groups gnomAD compares: Non-Finnish European, 0.00034%; no homozygotes.

Submissions (3):

Labcorp Genetics (formerly Invitae), Labcorp
Classification: Uncertain significance. Last evaluated: 2025-10-19. Review status: criteria provided, single submitter. Criteria: Invitae Variant Classification Sherloc (09022015). Collection method: clinical testing. Allele origin: germline.
Comment: This sequence change replaces glutamine, which is neutral and polar, with arginine, which is basic and polar, at codon 1763 of the POLE protein (p.Gln1763Arg). This variant is not present in population databases (gnomAD no frequency). This variant has not been reported in the literature in individuals affected with POLE-related conditions. ClinVar contains an entry for this variant (Variation ID: 571244). Invitae Evidence Modeling of protein sequence and biophysical properties (such as structural, functional, and spatial information, amino acid conservation, physicochemical variation, residue mobility, and thermodynamic stability) indicates that this missense variant is not expected to disrupt POLE protein function with a negative predictive value of 80%. In summary, the available evidence is currently insufficient to determine the role of this variant in disease. Therefore, it has been classified as a Variant of Uncertain Significance.

Ambry Genetics
Classification: Uncertain significance for Hereditary cancer-predisposing syndrome. Last evaluated: 2025-07-20. Review status: criteria provided, single submitter. Criteria: Ambry Variant Classification Scheme 2023. Collection method: clinical testing. Allele origin: germline.
Comment: The p.Q1763R variant (also known as c.5288A>G), located in coding exon 39 of the POLE gene, results from an A to G substitution at nucleotide position 5288. The glutamine at codon 1763 is replaced by arginine, an amino acid with highly similar properties. This amino acid position is conserved. In addition, this alteration is predicted to be tolerated by in silico analysis. Since supporting evidence is limited at this time, the clinical significance of this alteration remains unclear.

Mendelics
Classification: Uncertain significance for Familial colorectal cancer. Last evaluated: 2018-07-02. Review status: criteria provided, single submitter. Criteria: Mendelics Assertion Criteria 2017. Collection method: clinical testing. Allele origin: unknown.

NM_006231.4(POLE):c.5288A>G (p.Gln1763Arg)

Gene: POLE (DNA polymerase epsilon, catalytic subunit; minus strand). Cytogenetic location: 12q24.33.
Variant type: single nucleotide variant.
Coding change: c.5288A>G on transcript NM_006231.4 (MANE Select); coding-DNA position 5288, A replaced by G.
Protein change: p.Gln1763Arg; replaces glutamine 1763 with arginine.
Molecular consequence: missense variant.
Genome position (GRCh38, 1-based): chr12:132,641,737, T>C on the plus strand (A>G on the coding strand, the complement: POLE is on the minus strand). VCF-style: chr12-132641737-T-C. GRCh37 (hg19) VCF-style: chr12-133218323-T-C.
Other names: short protein forms Q1763R.
Identifiers: ClinVar variation 571244 (VCV000571244.12), dbSNP rs1565935906, ClinGen allele CA387376134.